The following is an entry in ClinVar:

NM_004304.5(ALK):c.2391G>A (p.Glu797=)

Gene: ALK (ALK receptor tyrosine kinase; minus strand). Cytogenetic location: 2p23.2.
Variant type: single nucleotide variant.
Coding change: c.2391G>A on transcript NM_004304.5 (MANE Select); coding-DNA position 2391, G replaced by A.
Protein change: p.Glu797=; no amino-acid change (glutamic acid 797 retained).
Molecular consequence: synonymous variant.
Genome position (GRCh38, 1-based): chr2:29,233,661, C>T on the plus strand (G>A on the coding strand, the complement: ALK is on the minus strand). VCF-style: chr2-29233661-C-T. GRCh37 (hg19) VCF-style: chr2-29456527-C-T.
Identifiers: ClinVar variation 767368 (VCV000767368.14), dbSNP rs372037531, ClinGen allele CA44639252.
Genomic context (GRCh38, chr2:29,233,661, plus strand): 5'-GCCTCCTGCCCACTCATGCACGCTTCTGTTCACACGGATTTCTTCTTCTATCACATTGTT[C>T]TCTCCAATGCAGACTTTCTGGATTAACTGGTTTGTCTGTAGAAACAAAAAGCACGTTAGG-3'
Protein context (NP_004295.2, residues 787-807): NQLIQKVCIG[Glu797=]NNVIEEEIRV

ClinVar aggregate classification (germline): Conflicting classifications of pathogenicity. Review status: criteria provided, conflicting classifications (1 of 4 stars). 3 submissions from 3 submitters: Uncertain significance (1); Likely benign (2). Last evaluated 2025-07-31.

Conditions:
Neuroblastoma, susceptibility to, 3. Also called: ALK-Related Neuroblastic Tumor Susceptibility. Identifiers: Orphanet 635, MedGen C2751681, MONDO:0013083, OMIM 613014.
Hereditary cancer-predisposing syndrome. Also called: Neoplastic Syndromes, Hereditary; Hereditary neoplastic syndrome; Tumor predisposition; Hereditary Cancer Syndrome. Identifiers: Orphanet 140162, MedGen C0027672, MeSH D009386, MONDO:0015356.

Allele frequency attached by ClinVar (database versions not stated): gnomAD exomes below 0.00001; TOPMed 0.00002; ESP Exome Variant Server 0.00008.
gnomAD v4.1: 7 of 1,614,238 alleles (0.00043%); highest among the groups gnomAD compares: South Asian, 0.0011%; no homozygotes.

Submissions (3):

Labcorp Genetics (formerly Invitae), Labcorp
Classification: Likely benign for Neuroblastoma, susceptibility to, 3. Last evaluated: 2025-07-31. Review status: criteria provided, single submitter. Criteria: Invitae Variant Classification Sherloc (09022015). Collection method: clinical testing. Allele origin: germline.

Ambry Genetics
Classification: Likely benign for Hereditary cancer-predisposing syndrome. Last evaluated: 2022-03-08. Review status: criteria provided, single submitter. Criteria: Ambry Variant Classification Scheme 2023. Collection method: clinical testing. Allele origin: germline.

Sema4
Classification: Uncertain significance for Hereditary cancer-predisposing syndrome. Last evaluated: 2021-12-23. Review status: criteria provided, single submitter. Criteria: Sema4 Curation Guidelines. Collection method: curation. Allele origin: germline.
Comment: The c.2391G>A (p.E797=) variant has not been reported in the literature to our knowledge. It was not observed in the large and broad cohorts of the Genome Aggregation Database (PMID: 32461654). This variant has been reported in ClinVar (Variation ID: 767368). The nucleotide is moderately conserved and in silico tools that predict the effect of sequence changes on splicing suggest that this variant may not impact splicing, though these predictions have not been confirmed by functional studies. The evidence is insufficient to meet ACMG/AMP criteria for classifying the variant as benign or pathogenic. Thus, the clinical significance of this variant is currently uncertain.